The following is an entry in ClinVar:

ClinVar aggregate classification (germline): Uncertain significance (1 of 4 stars; one submission).

Conditions:
Dyskeratosis congenita. Identifiers: Orphanet 1775, MedGen C0265965, MONDO:0015780.

Submission:

Labcorp Genetics (formerly Invitae), Labcorp
Classification: Uncertain significance for Dyskeratosis congenita. Last evaluated: 2025-07-01. Review status: criteria provided, single submitter. Criteria: Invitae Variant Classification Sherloc (09022015). Collection method: clinical testing. Allele origin: germline.
Comment: This sequence change creates a premature translational stop signal (p.Thr238Asnfs*16) in the TINF2 gene. It is expected to result in an absent or disrupted protein product. However, the current clinical and genetic evidence is not sufficient to establish whether loss-of-function variants in TINF2 cause disease. This variant is not present in population databases (gnomAD no frequency). This variant has not been reported in the literature in individuals affected with TINF2-related conditions. In summary, the available evidence is currently insufficient to determine the role of this variant in disease. Therefore, it has been classified as a Variant of Uncertain Significance.

NM_001099274.3(TINF2):c.713del (p.Thr238fs)

Gene: TINF2 (TERF1 interacting nuclear factor 2; minus strand). Cytogenetic location: 14q12.
Variant type: Deletion.
Coding change: c.713del on transcript NM_001099274.3 (MANE Select); coding-DNA position 713, one base deleted (C; older notation c.713delC).
Protein change: p.Thr238fs; shifts the reading frame from threonine 238.
Molecular consequence: frameshift variant.
Genome position (GRCh38, 1-based): chr14:24,240,767, G deleted on the plus strand (C on the coding strand, the reverse complement: TINF2 is on the minus strand). VCF-style (leftmost placement, unchanged base first): chr14-24240766-TG-T. GRCh37 (hg19) VCF-style: chr14-24709972-TG-T.
Other names: c.608del, p.Thr203fs (NM_001363668.2); c.713del, p.Thr238fs (NM_012461.3); short protein forms T238fs, T203fs.
Identifiers: ClinVar variation 4722082 (VCV004722082.1).